The following is an entry in ClinVar:

ClinVar aggregate classification (germline): Pathogenic (1 of 4 stars; one submission).

Conditions:
Alstrom syndrome (ALMS). Identifiers: Orphanet 64, MedGen C0268425, MONDO:0008763, OMIM 203800.

Allele frequency attached by ClinVar (database versions not stated): gnomAD exomes below 0.00001.
gnomAD v4.1: 2 of 1,613,974 alleles (0.00012%); highest among the groups gnomAD compares: Non-Finnish European, 0.00017%; no homozygotes.

Submission:

Labcorp Genetics (formerly Invitae), Labcorp
Classification: Pathogenic for Alstrom syndrome. Last evaluated: 2024-12-04. Review status: criteria provided, single submitter. Criteria: Invitae Variant Classification Sherloc (09022015). Collection method: clinical testing. Allele origin: germline.
Comment: This sequence change creates a premature translational stop signal (p.Gln198*) in the ALMS1 gene. It is expected to result in an absent or disrupted protein product. Loss-of-function variants in ALMS1 are known to be pathogenic (PMID: 17594715). This variant is not present in population databases (gnomAD no frequency). This premature translational stop signal has been observed in individual(s) with Alstrom syndrome (PMID: 25296579, 25846608). ClinVar contains an entry for this variant (Variation ID: 854725). For these reasons, this variant has been classified as Pathogenic.

Literature cited by the submitters: PubMed 17594715; PubMed 25296579; PubMed 25846608.

NM_001378454.1(ALMS1):c.589C>T (p.Gln197Ter)

Gene: ALMS1 (ALMS1 centrosome and basal body associated protein; plus strand). Cytogenetic location: 2p13.1.
Variant type: single nucleotide variant.
Coding change: c.589C>T on transcript NM_001378454.1 (MANE Select); coding-DNA position 589, C replaced by T.
Protein change: p.Gln197Ter; replaces glutamine 197 with a stop codon.
Molecular consequence: nonsense.
Genome position (GRCh38, 1-based): chr2:73,419,261, C>T. VCF-style: chr2-73419261-C-T. GRCh37 (hg19) VCF-style: chr2-73646389-C-T.
Other names: c.592C>T, p.Gln198Ter (NM_015120.4); short protein forms Q197*, Q198*.
Identifiers: ClinVar variation 854725 (VCV000854725.9), dbSNP rs1671240457, ClinGen allele CA347259227.